The following is an entry in ClinVar:

ClinVar aggregate classification (germline): Pathogenic. Review status: criteria provided, multiple submitters, no conflicts (2 of 4 stars). 2 submissions from 2 submitters: Pathogenic (2). Last evaluated 2022-11-13.

Conditions:
Long QT syndrome (LQTS). Identifiers: MedGen C0023976, MeSH D008133, MONDO:0002442. Disease mechanism: loss of function. Inheritance: Various modes of inheritance.

Submissions (2):

Labcorp Genetics (formerly Invitae), Labcorp
Classification: Pathogenic for Long QT syndrome. Last evaluated: 2022-11-13. Review status: criteria provided, single submitter. Criteria: Invitae Variant Classification Sherloc (09022015). Collection method: clinical testing. Allele origin: germline.
Comment: This sequence change creates a premature translational stop signal (p.Leu296Cysfs*64) in the KCNH2 gene. It is expected to result in an absent or disrupted protein product. Loss-of-function variants in KCNH2 are known to be pathogenic (PMID: 10973849, 19862833). This variant is not present in population databases (gnomAD no frequency). This premature translational stop signal has been observed in individual(s) with long QT syndrome (PMID: 10973849). ClinVar contains an entry for this variant (Variation ID: 200620). For these reasons, this variant has been classified as Pathogenic.

GeneDx
Classification: Pathogenic. Last evaluated: 2014-01-27. Review status: criteria provided, single submitter. Criteria: GeneDx Variant Classification (06012015). Collection method: clinical testing. Allele origin: germline. Affected: yes.
Comment: The c.885delG mutation in the KCNH2 gene has been reported in one family with LQTS using alternate nomenclature (del885*; V295fs/63) and was absent from 400 control chromosomes (Splawski et al., 2000). This mutation causes a shift in reading frame starting at codon Leucine296, changing it to a Cysteine, and creating a premature stop codon at position 64 of the new reading frame, denoted p.Leu296CysfsX64. This mutation is expected to result in either an abnormal, truncated protein product or loss of protein from this allele through nonsense-mediated mRNA decay. Other frameshift mutations in the KCNH2 gene have been reported in association with LQTS.In summary, c.885delG in the KCNH2 gene is interpreted as a disease-causing mutation.

Literature cited by the submitters: PubMed 10973849 (cited by Labcorp Genetics (formerly Invitae), Labcorp); PubMed 19862833 (cited by Labcorp Genetics (formerly Invitae), Labcorp).

NM_000238.4(KCNH2):c.885del (p.Leu296fs)

Gene: KCNH2 (potassium voltage-gated channel subfamily H member 2; minus strand). Cytogenetic location: 7q36.1.
Variant type: Deletion.
Coding change: c.885del on transcript NM_000238.4 (MANE Select); coding-DNA position 885, one base deleted (G; older notation c.885delG).
Protein change: p.Leu296fs; shifts the reading frame from leucine 296.
Molecular consequence: frameshift variant.
Genome position (GRCh38, 1-based): chr7:150,958,090, C deleted on the plus strand (G on the coding strand, the reverse complement: KCNH2 is on the minus strand). VCF-style (leftmost placement, unchanged base first): chr7-150958089-GC-G. GRCh37 (hg19) VCF-style: chr7-150655177-GC-G.
Other names: c.597delG, p.Leu200Cysfs (NM_001406753.1, NM_001406756.1); c.708delG, p.Leu237Cysfs (NM_001406755.1); c.585delG, p.Leu196Cysfs (NM_001406757.1); c.885delG, p.Leu296Cysfs (NM_172056.3); short protein forms L296fs.
Identifiers: ClinVar variation 200620 (VCV000200620.10), dbSNP rs794728429, ClinGen allele CA008955.